The following is an entry in ClinVar:

ClinVar aggregate classification (germline): Likely benign (1 of 4 stars; one submission).

gnomAD v4.1: 10 of 1,612,564 alleles (0.00062%); highest among the groups gnomAD compares: South Asian, 0.011%; no homozygotes.

Submission:

CeGaT Center for Human Genetics Tuebingen
Classification: Likely benign. Last evaluated: 2026-02-01. Review status: criteria provided, single submitter. Criteria: CeGaT Center For Human Genetics Tuebingen Variant Classification Criteria Version 2. Collection method: clinical testing. Allele origin: germline. Affected: yes. Observed: 1 variant allele.
Comment: TTN: BP4, BP7

NM_001267550.2(TTN):c.90951G>A (p.Val30317=)

Genes: TTN (titin; minus strand), TTN-AS1 (TTN antisense RNA 1; plus strand). Cytogenetic location: 2q31.2.
Variant type: single nucleotide variant.
Coding change: c.90951G>A on transcript NM_001267550.2 (MANE Select); coding-DNA position 90951, G replaced by A.
Protein change: p.Val30317=; no amino-acid change (valine 30317 retained).
Molecular consequence: synonymous variant.
Genome position (GRCh38, 1-based): chr2:178,551,949, C>T on the plus strand (G>A on the coding strand, the complement: TTN is on the minus strand). VCF-style: chr2-178551949-C-T. GRCh37 (hg19) VCF-style: chr2-179416676-C-T.
Other names: c.86028G>A, p.Val28676= (NM_001256850.1); c.63756G>A, p.Val21252= (NM_003319.4); c.83247G>A, p.Val27749= (NM_133378.4); c.64131G>A, p.Val21377= (NM_133432.3); c.64332G>A, p.Val21444= (NM_133437.4).
Identifiers: ClinVar variation 4822419 (VCV004822419.4).